The following is an entry in ClinVar:

ClinVar aggregate classification (germline): Conflicting classifications of pathogenicity. Review status: criteria provided, conflicting classifications (1 of 4 stars). 2 submissions from 2 submitters: Uncertain significance (1); Likely benign (1). Last evaluated 2020-03-24.

Conditions:
Cardiovascular phenotype. Identifiers: MedGen CN230736.

Allele frequency attached by ClinVar (database versions not stated): TOPMed below 0.00001; gnomAD 0.00001 and below 0.00001; gnomAD exomes 0.00004 and 0.00011; ExAC 0.00018.
gnomAD v4.1: 58 of 1,539,446 alleles (0.0038%); highest among the groups gnomAD compares: South Asian, 0.066%; 1 homozygote.

Submissions (2):

Ambry Genetics
Classification: Likely benign for Cardiovascular phenotype. Last evaluated: 2020-03-24. Review status: criteria provided, single submitter. Criteria: Ambry Autosomal Dominant and X-Linked criteria (2/2020). Collection method: clinical testing. Allele origin: germline. Observed: 1 variant allele.
Comment: In silico models in agreement (benign);Subpopulation frequency in support of benign classification

Eurofins Ntd Llc (ga)
Classification: Uncertain significance. Last evaluated: 2015-09-22. Review status: criteria provided, single submitter. Criteria: EGL Classification Definitions 2015. Collection method: clinical testing. Allele origin: germline. Observed: 1 variant allele, 1 heterozygote.

NM_001267550.2(TTN):c.30713A>G (p.Lys10238Arg)

Gene: TTN (titin; minus strand). Cytogenetic location: 2q31.2.
Variant type: single nucleotide variant.
Coding change: c.30713A>G on transcript NM_001267550.2 (MANE Select); coding-DNA position 30713, A replaced by G.
Protein change: p.Lys10238Arg; replaces lysine 10238 with arginine.
Molecular consequence: missense variant. On other transcripts: intron variant (3).
Genome position (GRCh38, 1-based): chr2:178,698,884, T>C on the plus strand (A>G on the coding strand, the complement: TTN is on the minus strand). VCF-style: chr2-178698884-T-C. GRCh37 (hg19) VCF-style: chr2-179563611-T-C.
Other names: c.29762A>G, p.Lys9921Arg (NM_001256850.1); c.26981A>G, p.Lys8994Arg (NM_133378.4); c.13282+39198A>G (NM_003319.4); c.13858+39198A>G (NM_133437.4); c.13657+39198A>G (NM_133432.3); short protein forms K10238R, K8994R, K9921R.
Identifiers: ClinVar variation 263565 (VCV000263565.7), dbSNP rs780073797, ClinGen allele CA1999049.